The following is an entry in ClinVar:

NM_000059.4(BRCA2):c.1424A>G (p.Glu475Gly)

Gene: BRCA2 (BRCA2 DNA repair associated; plus strand). Cytogenetic location: 13q13.1.
Variant type: single nucleotide variant.
Coding change: c.1424A>G on transcript NM_000059.4 (MANE Select); coding-DNA position 1424, A replaced by G.
Protein change: p.Glu475Gly; replaces glutamic acid 475 with glycine.
Molecular consequence: missense variant.
Genome position (GRCh38, 1-based): chr13:32,332,902, A>G. VCF-style: chr13-32332902-A-G. GRCh37 (hg19) VCF-style: chr13-32907039-A-G.
Other names: short protein forms E475G.
Identifiers: ClinVar variation 919161 (VCV000919161.18), dbSNP rs1213277350, ClinGen allele CA387764239.

ClinVar aggregate classification (germline): Conflicting classifications of pathogenicity. Review status: criteria provided, conflicting classifications (1 of 4 stars). 5 submissions from 5 submitters: Uncertain significance (4); Likely benign (1). Last evaluated 2024-06-02.

Conditions:
Hereditary cancer-predisposing syndrome. Also called: Hereditary Cancer Syndrome; Hereditary neoplastic syndrome; Neoplastic Syndromes, Hereditary; Tumor predisposition. Identifiers: Orphanet 140162, MedGen C0027672, MeSH D009386, MONDO:0015356.
Hereditary breast ovarian cancer syndrome. Also called: BRCA1- and BRCA2-Associated Hereditary Breast and Ovarian Cancer; Hereditary breast and ovarian cancer syndrome; Hereditary breast and ovarian cancer syndrome (HBOC); Breast and ovarian cancer; Hereditary breast and ovarian cancer; Hereditary breast and/or ovarian cancer syndrome. Identifiers: Orphanet 145, MedGen C0677776, MeSH D061325, MONDO:0003582. Disease mechanism: loss of function.
Breast-ovarian cancer, familial, susceptibility to, 2 (BROVCA2). Also called: BRCA2 Hereditary Breast and Ovarian Cancer. Identifiers: Orphanet 145, MedGen C2675520, MONDO:0012933, OMIM 612555. Disease mechanism: loss of function.

Allele frequency attached by ClinVar (database versions not stated): gnomAD exomes below 0.00001.
gnomAD v4.1: 1 of 1,610,790 alleles (0.000062%); highest among the groups gnomAD compares: South Asian, 0.0011%; no homozygotes.

Submissions (5):

Labcorp Genetics (formerly Invitae), Labcorp
Classification: Uncertain significance for Hereditary breast ovarian cancer syndrome. Last evaluated: 2024-06-02. Review status: criteria provided, single submitter. Criteria: Invitae Variant Classification Sherloc (09022015). Collection method: clinical testing. Allele origin: germline.
Comment: This sequence change replaces glutamic acid, which is acidic and polar, with glycine, which is neutral and non-polar, at codon 475 of the BRCA2 protein (p.Glu475Gly). The frequency data for this variant in the population databases is considered unreliable, as metrics indicate poor data quality at this position in the gnomAD database. This variant has not been reported in the literature in individuals affected with BRCA2-related conditions. ClinVar contains an entry for this variant (Variation ID: 919161). Advanced modeling of protein sequence and biophysical properties (such as structural, functional, and spatial information, amino acid conservation, physicochemical variation, residue mobility, and thermodynamic stability) performed at Invitae indicates that this missense variant is not expected to disrupt BRCA2 protein function with a negative predictive value of 95%. In summary, the available evidence is currently insufficient to determine the role of this variant in disease. Therefore, it has been classified as a Variant of Uncertain Significance.

University of Washington Department of Laboratory Medicine, University of Washington
Classification: Likely benign for Hereditary cancer-predisposing syndrome. Last evaluated: 2023-03-23. Review status: criteria provided, single submitter. Criteria: Dines et al. (Genet Med. 2020). Collection method: curation. Allele origin: germline.
Comment: Missense variant in a coldspot region where missense variants are very unlikely to be pathogenic (PMID:31911673).

BRCA2 exon 10 coldspot. Reclassification based on statistical prior probability.

Ambry Genetics
Classification: Uncertain significance for Hereditary cancer-predisposing syndrome. Last evaluated: 2019-10-17. Review status: criteria provided, single submitter. Criteria: Ambry Variant Classification Scheme 2023. Collection method: clinical testing. Allele origin: germline.
Comment: The p.E475G variant (also known as c.1424A>G), located in coding exon 9 of the BRCA2 gene, results from an A to G substitution at nucleotide position 1424. The glutamic acid at codon 475 is replaced by glycine, an amino acid with similar properties. This amino acid position is poorly conserved in available vertebrate species. In addition, this alteration is predicted to be tolerated by in silico analysis. Since supporting evidence is limited at this time, the clinical significance of this alteration remains unclear.

Color Diagnostics, LLC DBA Color Health
Classification: Uncertain significance for Hereditary cancer-predisposing syndrome. Last evaluated: 2019-06-08. Review status: criteria provided, single submitter. Criteria: ACMG Guidelines, 2015. Collection method: clinical testing. Allele origin: germline.

Molecular Endocrinology Laboratory, Christian Medical College
Classification: Uncertain significance for Breast-ovarian cancer, familial, susceptibility to, 2. Review status: criteria provided, single submitter. Criteria: ACMG Guidelines, 2015. Collection method: clinical testing. Allele origin: germline. Affected: yes.